The following is an entry in ClinVar:

NM_173483.4(CYP4F22):c.*183T>G

Gene: CYP4F22 (cytochrome P450 family 4 subfamily F member 22; plus strand). Cytogenetic location: 19p13.12.
Variant type: single nucleotide variant.
Coding change: c.*183T>G on transcript NM_173483.4 (MANE Select); 183 bases downstream of the stop codon, T replaced by G.
Molecular consequence: 3 prime UTR variant.
Genome position (GRCh38, 1-based): chr19:15,551,654, T>G. VCF-style: chr19-15551654-T-G. GRCh37 (hg19) VCF-style: chr19-15662465-T-G.
Identifiers: ClinVar variation 328452 (VCV000328452.7), dbSNP rs2280436, ClinGen allele CA10648373.

ClinVar aggregate classification (germline): Benign. Review status: criteria provided, multiple submitters, no conflicts (2 of 4 stars). 3 submissions from 3 submitters: Benign (3). Last evaluated 2018-11-11.

Conditions:
Autosomal recessive congenital ichthyosis 5 (ARCI5). Also called: Ichthyosis, nonlamellar and nonerythrodermic, congenital, autosomal recessive; ICHTHYOSIS CONGENITA III. Identifiers: Orphanet 313, MedGen C1858133, MONDO:0011485, OMIM 604777.

Allele frequency attached by ClinVar (database versions not stated): 1000 Genomes Project 0.83027; 1000 Genomes Project 30x 0.83370; TOPMed 0.78719; gnomAD exomes 0.77708; gnomAD 0.78681 and 0.78873.
gnomAD v4.1: 581,999 of 747,002 alleles (78%); highest among the groups gnomAD compares: East Asian, 89%; 227,928 homozygotes.

Submissions (3):

GeneDx
Classification: Benign. Last evaluated: 2018-11-11. Review status: criteria provided, single submitter. Criteria: GeneDx Variant Classification Process June 2021. Collection method: clinical testing. Allele origin: germline. Affected: yes.

Illumina Laboratory Services, Illumina
Classification: Benign for Autosomal recessive congenital ichthyosis 5. Last evaluated: 2018-01-12. Review status: criteria provided, single submitter. Criteria: ICSL Variant Classification Criteria 13 December 2019. Collection method: clinical testing. Allele origin: germline.
Comment: This variant was observed in the ICSL laboratory as part of a predisposition screen in an ostensibly healthy population. It had not been previously curated by ICSL or reported in the Human Gene Mutation Database (HGMD: prior to June 1st, 2018), and was therefore a candidate for classification through an automated scoring system. Utilizing variant allele frequency, disease prevalence and penetrance estimates, and inheritance mode, an automated score was calculated to assess if this variant is too frequent to cause the disease. Based on the score and internal cut-off values, a variant classified as benign is not then subjected to further curation. The score for this variant resulted in a classification of benign for this disease.

Breakthrough Genomics
Classification: Benign. Review status: criteria provided, single submitter. Criteria: ACMG Guidelines, 2015. Collection method: not provided. Allele origin: germline. Inheritance: Autosomal recessive inheritance. Affected: yes.